The following is an entry in ClinVar:

NM_203447.4(DOCK8):c.340C>G (p.Leu114Val)

Gene: DOCK8 (dedicator of cytokinesis 8; plus strand). Cytogenetic location: 9p24.3.
Variant type: single nucleotide variant.
Coding change: c.340C>G on transcript NM_203447.4 (MANE Select); coding-DNA position 340, C replaced by G.
Protein change: p.Leu114Val; replaces leucine 114 with valine.
Molecular consequence: missense variant.
Genome position (GRCh38, 1-based): chr9:289,517, C>G. VCF-style: chr9-289517-C-G. GRCh37 (hg19) VCF-style: chr9-289517-C-G.
Other names: c.136C>G, p.Leu46Val (NM_001190458.2, NM_001193536.2); short protein forms L114V, L46V.
Identifiers: ClinVar variation 1057446 (VCV001057446.13), dbSNP rs1374072455, ClinGen allele CA372757115.

ClinVar aggregate classification (germline): Uncertain significance (1 of 4 stars; one submission).

Allele frequency attached by ClinVar (database versions not stated): TOPMed below 0.00001; gnomAD 0.00001; gnomAD exomes 0.00001.
gnomAD v4.1: 22 of 1,613,292 alleles (0.0014%); highest among the groups gnomAD compares: Non-Finnish European, 0.0017%; no homozygotes.

Submission:

Labcorp Genetics (formerly Invitae), Labcorp
Classification: Uncertain significance for Combined immunodeficiency due to DOCK8 deficiency. Last evaluated: 2022-02-25. Review status: criteria provided, single submitter. Criteria: Invitae Variant Classification Sherloc (09022015). Collection method: clinical testing. Allele origin: germline.
Comment: In summary, the available evidence is currently insufficient to determine the role of this variant in disease. Therefore, it has been classified as a Variant of Uncertain Significance. This sequence change replaces leucine, which is neutral and non-polar, with valine, which is neutral and non-polar, at codon 114 of the DOCK8 protein (p.Leu114Val). This variant is present in population databases (no rsID available, gnomAD 0.002%). This variant has not been reported in the literature in individuals affected with DOCK8-related conditions. ClinVar contains an entry for this variant (Variation ID: 1057446). Algorithms developed to predict the effect of missense changes on protein structure and function are either unavailable or do not agree on the potential impact of this missense change (SIFT: "Deleterious"; PolyPhen-2: "Probably Damaging"; Align-GVGD: "Class C0").